The following is an entry in ClinVar:

NM_001111125.3(IQSEC2):c.2848C>T (p.Gln950Ter)

Gene: IQSEC2 (IQ motif and Sec7 domain ArfGEF 2; minus strand). Cytogenetic location: Xp11.22.
Variant type: single nucleotide variant.
Coding change: c.2848C>T on transcript NM_001111125.3 (MANE Select); coding-DNA position 2848, C replaced by T.
Protein change: p.Gln950Ter; replaces glutamine 950 with a stop codon.
Molecular consequence: nonsense.
Genome position (GRCh38, 1-based): chrX:53,243,373, G>A on the plus strand (C>T on the coding strand, the complement: IQSEC2 is on the minus strand). VCF-style: chrX-53243373-G-A. GRCh37 (hg19) VCF-style: chrX-53272555-G-A.
Other names: c.2848C>T, p.Gln950Ter (NM_001410736.1); c.2233C>T, p.Gln745Ter (NM_015075.2); short protein forms Q950*, Q745*.
Identifiers: ClinVar variation 2813374 (VCV002813374.3), dbSNP rs2519745279, ClinGen allele CA413153620.

ClinVar aggregate classification (germline): Pathogenic (1 of 4 stars; one submission).

Conditions:
Intellectual developmental disorder, X-linked 1. Also called: Atkin Flaitz Patil Smith syndrome; Intellectual disability, X-linked 1; MENTAL RETARDATION, X-LINKED 18; MENTAL RETARDATION, X-LINKED 78. Identifiers: Orphanet 777, MedGen C2931498, MONDO:0010656, OMIM 309530.

Submission:

Labcorp Genetics (formerly Invitae), Labcorp
Classification: Pathogenic for Intellectual developmental disorder, X-linked 1. Last evaluated: 2022-11-10. Review status: criteria provided, single submitter. Criteria: Invitae Variant Classification Sherloc (09022015). Collection method: clinical testing. Allele origin: germline.
Comment: This sequence change creates a premature translational stop signal (p.Gln950*) in the IQSEC2 gene. It is expected to result in an absent or disrupted protein product. Loss-of-function variants in IQSEC2 are known to be pathogenic (PMID: 21686261, 26793055, 27665735). This variant is not present in population databases (gnomAD no frequency). This variant has not been reported in the literature in individuals affected with IQSEC2-related conditions. For these reasons, this variant has been classified as Pathogenic.

Literature cited by the submitters: PubMed 21686261; PubMed 26793055; PubMed 27665735.